The following is an entry in ClinVar:

ClinVar aggregate classification (germline): Likely benign (0 of 4 stars; one submission).

Conditions:
PIK3CA-related disorder. Also called: PIK3CA-related condition; PIK3CA-related disorders; PIK3CA- related disease.

Allele frequency attached by ClinVar (database versions not stated): gnomAD exomes below 0.00001.
gnomAD v4.1: 1 of 1,575,710 alleles (0.000063%); highest among the groups gnomAD compares: Admixed American, 0.0017%; no homozygotes.

Submission:

PreventionGenetics, part of Exact Sciences
Classification: Likely benign for PIK3CA-related condition. Last evaluated: 2022-03-24. Review status: no assertion criteria provided. Collection method: clinical testing. Allele origin: germline.
Comment: This variant is classified as likely benign based on ACMG/AMP sequence variant interpretation guidelines (Richards et al. 2015 PMID: 25741868, with internal and published modifications).

NM_006218.4(PIK3CA):c.*27A>G

Gene: PIK3CA (phosphatidylinositol-4,5-bisphosphate 3-kinase catalytic subunit alpha; plus strand). Cytogenetic location: 3q26.32.
Variant type: single nucleotide variant.
Coding change: c.*27A>G on transcript NM_006218.4 (MANE Select); 27 bases downstream of the stop codon, A replaced by G.
Molecular consequence: 3 prime UTR variant.
Genome position (GRCh38, 1-based): chr3:179,234,391, A>G. VCF-style: chr3-179234391-A-G. GRCh37 (hg19) VCF-style: chr3-178952179-A-G.
Identifiers: ClinVar variation 3044076 (VCV003044076.2), dbSNP rs1375307009, ClinGen allele CA547918816.
Genomic context (GRCh38, chr3:179,234,391, plus strand): 5'-CTTCCACACAATTAAACAGCATGCATTGAACTGAAAAGATAACTGAGAAAATGAAAGCTC[A>G]CTCTGGATTCCACACTGCACTGTTAATAACTCTCAGCAGGCAAAGACCGATTGCATAGGA-3'